The following is an entry in ClinVar:

NM_001123385.2(BCOR):c.3976_3979del (p.Glu1326fs)

Gene: BCOR (BCL6 corepressor; minus strand). Cytogenetic location: Xp11.4.
Variant type: Deletion.
Coding change: c.3976_3979del on transcript NM_001123385.2 (MANE Select); coding-DNA positions 3976 to 3979, 4 bases deleted (GAAA; older notation c.3976_3979delGAAA).
Protein change: p.Glu1326fs; shifts the reading frame from glutamic acid 1326.
Molecular consequence: frameshift variant.
Genome position (GRCh38, 1-based): chrX:40,062,940-40,062,943, TTTC deleted on the plus strand (GAAA on the coding strand, the reverse complement: BCOR is on the minus strand); deleting any 4 consecutive bases within chrX:40,062,940-40,062,946 gives the same sequence; the c. name uses the placement nearest the transcript's 3' end. VCF-style (leftmost placement, unchanged base first): chrX-40062939-TTTTC-T. GRCh37 (hg19) VCF-style: chrX-39922192-TTTTC-T.
Other names: c.3871_3874delAAAG, p.Glu1292Thrfs (NM_001123383.2); c.3820_3823del, p.Glu1274fs (NM_001123384.2); c.3874_3877del, p.Glu1292fs (NM_017745.6); short protein forms E1274fs, E1292fs, E1326fs.
Identifiers: ClinVar variation 3375476 (VCV003375476.2).

ClinVar aggregate classification (germline): Likely pathogenic (1 of 4 stars; one submission).

Conditions:
Oculofaciocardiodental syndrome (MCOPS2). Identifiers: Orphanet 2712, MedGen C1846265, MONDO:0010261, OMIM 300166.

Submission:

Equipe Genetique des Anomalies du Developpement, Université de Bourgogne
Classification: Likely pathogenic for Oculofaciocardiodental syndrome. Last evaluated: 2024-06-03. Review status: criteria provided, single submitter. Criteria: ACMG Guidelines, 2015. Collection method: clinical testing. Allele origin: maternal. Affected: yes.
Comment: c.3976_3979del is a 4bp deletion predicted to result in a premature codon stop at position 1368 and likely results in an absent or disrupted protein product. Loss-of-function variants in the BCOR gene are reported in an X-linked dominant form of syndromic microphtalmia type 2 (OMIM 300166) (PMID: 29974297, 14608648, 19367324). This variant is not present in population database gnomAD (v4.1.0). It has not been reported in ClinVar. It has not been reported in literature. Based on the evidence outlined above, the variant was classified as likely pathogenic.

Literature cited by the submitters: PubMed 29974297; PubMed 14608648; PubMed 19367324.